The following is an entry in ClinVar:

NM_000493.4(COL10A1):c.154+13G>C

Genes: COL10A1 (collagen type X alpha 1 chain; minus strand), NT5DC1 (5'-nucleotidase domain containing 1; plus strand). Cytogenetic location: 6q22.1.
Variant type: single nucleotide variant.
Coding change: c.154+13G>C on transcript NM_000493.4 (MANE Select); 13 bases into the intron after coding-DNA position 154, G replaced by C.
Molecular consequence: intron variant.
Genome position (GRCh38, 1-based): chr6:116,125,326, C>G on the plus strand (G>C on the coding strand, the complement: COL10A1 is on the minus strand). VCF-style: chr6-116125326-C-G. GRCh37 (hg19) VCF-style: chr6-116446489-C-G.
Other names: c.529+7381C>G (NM_152729.3); c.154+13G>C (NM_001424107.1, NM_001424106.1).
Identifiers: ClinVar variation 355112 (VCV000355112.16), dbSNP rs187987567, ClinGen allele CA3968483.

ClinVar aggregate classification (germline): Benign. Review status: criteria provided, multiple submitters, no conflicts (2 of 4 stars). 4 submissions from 4 submitters: Benign (4). Last evaluated 2026-05-11.

Conditions:
Metaphyseal chondrodysplasia, Schmid type (MCDS). Also called: SPONDYLOMETAPHYSEAL DYSPLASIA, JAPANESE TYPE. Identifiers: Orphanet 174, MedGen C0265289, MONDO:0007983, OMIM 156500.

Allele frequency attached by ClinVar (database versions not stated): TOPMed 0.00149; gnomAD exomes 0.00341 and 0.00674; 1000 Genomes Project 30x 0.00921; ExAC 0.00729; ESP Exome Variant Server 0.00069; gnomAD 0.00121 and 0.00260; 1000 Genomes Project 0.00899.
gnomAD v4.1: 5,506 of 1,612,152 alleles (0.34%); highest among the groups gnomAD compares: South Asian, 4.1%; 133 homozygotes.

Submissions (4):

Women's Health and Genetics/Laboratory Corporation of America, LabCorp
Classification: Benign. Last evaluated: 2026-05-11. Review status: criteria provided, single submitter. Criteria: LabCorp Variant Classification Summary - May 2015. Collection method: clinical testing. Allele origin: germline.

Labcorp Genetics (formerly Invitae), Labcorp
Classification: Benign. Last evaluated: 2026-02-01. Review status: criteria provided, single submitter. Criteria: Invitae Variant Classification Sherloc (09022015). Collection method: clinical testing. Allele origin: germline.

ARUP Laboratories, Molecular Genetics and Genomics, ARUP Laboratories
Classification: Benign. Last evaluated: 2023-11-11. Review status: criteria provided, single submitter. Criteria: ARUP Molecular Germline Variant Investigation Process 2024. Collection method: clinical testing. Allele origin: germline.

Illumina Laboratory Services, Illumina
Classification: Benign for Metaphyseal chondrodysplasia, Schmid type. Last evaluated: 2018-01-13. Review status: criteria provided, single submitter. Criteria: ICSL Variant Classification Criteria 13 December 2019. Collection method: clinical testing. Allele origin: germline.
Comment: This variant was observed in the ICSL laboratory as part of a predisposition screen in an ostensibly healthy population. It had not been previously curated by ICSL or reported in the Human Gene Mutation Database (HGMD: prior to June 1st, 2018), and was therefore a candidate for classification through an automated scoring system. Utilizing variant allele frequency, disease prevalence and penetrance estimates, and inheritance mode, an automated score was calculated to assess if this variant is too frequent to cause the disease. Based on the score and internal cut-off values, a variant classified as benign is not then subjected to further curation. The score for this variant resulted in a classification of benign for this disease.